The following is an entry in ClinVar:

NM_003136.4(SRP54):c.223A>G (p.Ile75Val)

Gene: SRP54 (signal recognition particle 54; plus strand). Cytogenetic location: 14q13.2.
Variant type: single nucleotide variant.
Coding change: c.223A>G on transcript NM_003136.4 (MANE Select); coding-DNA position 223, A replaced by G.
Protein change: p.Ile75Val; replaces isoleucine 75 with valine.
Molecular consequence: missense variant.
Genome position (GRCh38, 1-based): chr14:35,000,988, A>G. VCF-style: chr14-35000988-A-G. GRCh37 (hg19) VCF-style: chr14-35470194-A-G.
Other names: c.76A>G, p.Ile26Val (NM_001146282.2); short protein forms I26V, I75V.
Identifiers: ClinVar variation 1303399 (VCV001303399.2), dbSNP rs2138983826, ClinGen allele CA389437932.

ClinVar aggregate classification (germline): Uncertain significance (1 of 4 stars; one submission).

Submission:

GeneDx
Classification: Uncertain significance. Last evaluated: 2019-09-17. Review status: criteria provided, single submitter. Criteria: GeneDx Variant Classification Process June 2021. Collection method: clinical testing. Allele origin: germline. Affected: yes.
Comment: Not observed in large population cohorts (Lek et al., 2016); Has not been previously published as pathogenic or benign to our knowledge; In silico analysis, which includes protein predictors and evolutionary conservation, supports that this variant does not alter protein structure/function